The following is an entry in ClinVar:

ClinVar aggregate classification (germline): Likely benign. Review status: criteria provided, multiple submitters, no conflicts (2 of 4 stars). 2 submissions from 2 submitters: Likely benign (2). Last evaluated 2023-03-23.

Conditions:
Hereditary cancer-predisposing syndrome. Also called: Hereditary Cancer Syndrome; Hereditary neoplastic syndrome; Neoplastic Syndromes, Hereditary; Tumor predisposition. Identifiers: Orphanet 140162, MedGen C0027672, MeSH D009386, MONDO:0015356.

Submissions (2):

University of Washington Department of Laboratory Medicine, University of Washington
Classification: Likely benign for Hereditary cancer-predisposing syndrome. Last evaluated: 2023-03-23. Review status: criteria provided, single submitter. Criteria: Dines et al. (Genet Med. 2020). Collection method: curation. Allele origin: germline.
Comment: Missense variant in a coldspot region where missense variants are very unlikely to be pathogenic (PMID:31911673).

BRCA2 exon 11 coldspot. Reclassification based on statistical prior probability.

GeneDx
Classification: Likely benign. Last evaluated: 2016-06-22. Review status: criteria provided, single submitter. Criteria: GeneDx Variant Classification (06012015). Collection method: clinical testing. Allele origin: germline. Affected: yes.
Comment: This variant is considered likely benign or benign based on one or more of the following criteria: it is a conservative change, it occurs at a poorly conserved position in the protein, it is predicted to be benign by multiple in silico algorithms, and/or has population frequency not consistent with disease.

NM_000059.4(BRCA2):c.6541G>A (p.Gly2181Arg)

Gene: BRCA2 (BRCA2 DNA repair associated; plus strand). Cytogenetic location: 13q13.1.
Variant type: single nucleotide variant.
Coding change: c.6541G>A on transcript NM_000059.4 (MANE Select); coding-DNA position 6541, G replaced by A.
Protein change: p.Gly2181Arg; replaces glycine 2181 with arginine.
Molecular consequence: missense variant.
Genome position (GRCh38, 1-based): chr13:32,340,896, G>A. VCF-style: chr13-32340896-G-A. GRCh37 (hg19) VCF-style: chr13-32915033-G-A.
Other names: short protein forms G2181R.
Identifiers: ClinVar variation 387276 (VCV000387276.3), dbSNP rs371067421, ClinGen allele CA16607475.
Genomic context (GRCh38, chr13:32,340,896, plus strand): 5'-GACAAACAACAGTTGGTATTAGGAACCAAAGTGTCACTTGTTGAGAACATTCATGTTTTG[G>A]GAAAAGAACAGGCTTCACCTAAAAACGTAAAAATGGAAATTGGTAAAACTGAAACTTTTT-3'
Protein context (NP_000050.3, residues 2171-2191): VSLVENIHVL[Gly2181Arg]KEQASPKNVK